The following is an entry in ClinVar:

NM_000304.4(PMP22):c.277G>T (p.Gly93Trp)

Gene: PMP22 (peripheral myelin protein 22; minus strand). Cytogenetic location: 17p12.
Variant type: single nucleotide variant.
Coding change: c.277G>T on transcript NM_000304.4 (MANE Select); coding-DNA position 277, G replaced by T.
Protein change: p.Gly93Trp; replaces glycine 93 with tryptophan.
Molecular consequence: missense variant. On other transcripts: non-coding transcript variant (2).
Genome position (GRCh38, 1-based): chr17:15,239,513, C>A on the plus strand (G>T on the coding strand, the complement: PMP22 is on the minus strand). VCF-style: chr17-15239513-C-A. GRCh37 (hg19) VCF-style: chr17-15142830-C-A.
Other names: c.277G>T, p.Gly93Trp (NM_001281455.2, NM_001281456.2, NM_001330143.2 and 2 more transcripts); short protein forms G93W.
Identifiers: ClinVar variation 2778027 (VCV002778027.3), dbSNP rs778693173, ClinGen allele CA398267492.

ClinVar aggregate classification (germline): Uncertain significance (1 of 4 stars; one submission).

Conditions:
Charcot-Marie-Tooth disease, type I (CMT1). Also called: Charcot-Marie-Tooth disease type 1; Charcot-Marie-Tooth, Type 1. Identifiers: Orphanet 65753, MedGen C0751036, MONDO:0019011.

gnomAD v4.1: 2 of 1,614,144 alleles (0.00012%); highest among the groups gnomAD compares: Non-Finnish European, 0.000085%; no homozygotes.

Submission:

Labcorp Genetics (formerly Invitae), Labcorp
Classification: Uncertain significance for Charcot-Marie-Tooth disease, type I. Last evaluated: 2023-02-16. Review status: criteria provided, single submitter. Criteria: Invitae Variant Classification Sherloc (09022015). Collection method: clinical testing. Allele origin: germline.
Comment: This sequence change replaces glycine, which is neutral and non-polar, with tryptophan, which is neutral and slightly polar, at codon 93 of the PMP22 protein (p.Gly93Trp). This variant is not present in population databases (gnomAD no frequency). This variant has not been reported in the literature in individuals affected with PMP22-related conditions. An algorithm developed to predict the effect of missense changes on protein structure and function (PolyPhen-2) suggests that this variant is likely to be disruptive. In summary, the available evidence is currently insufficient to determine the role of this variant in disease. Therefore, it has been classified as a Variant of Uncertain Significance.